The following is an entry in ClinVar:

ClinVar aggregate classification (germline): Uncertain significance (1 of 4 stars; one submission).

Conditions:
Intellectual developmental disorder with cardiac defects and dysmorphic facies (IDDCDF). Identifiers: Orphanet 562569, MedGen C5193024, MONDO:0032672, OMIM 618316.

Submission:

Department of Human Genetics, Hannover Medical School
Classification: Uncertain significance for Intellectual developmental disorder with cardiac defects and dysmorphic facies. Last evaluated: 2024-10-28. Review status: criteria provided, single submitter. Criteria: ACMG Guidelines, 2015. Collection method: clinical testing. Allele origin: germline. Inheritance: Autosomal recessive inheritance. Affected: yes.
Comment: ACMG: PM2_Supporting, PP2

NM_014738.6(TMEM94):c.888T>G (p.Asn296Lys)

Gene: TMEM94 (transmembrane protein 94; plus strand). Cytogenetic location: 17q25.1.
Variant type: single nucleotide variant.
Coding change: c.888T>G on transcript NM_014738.6 (MANE Select); coding-DNA position 888, T replaced by G.
Protein change: p.Asn296Lys; replaces asparagine 296 with lysine.
Molecular consequence: missense variant.
Genome position (GRCh38, 1-based): chr17:75,489,596, T>G. VCF-style: chr17-75489596-T-G. GRCh37 (hg19) VCF-style: chr17-73485677-T-G.
Other names: c.918T>G, p.Asn306Lys (NM_001321148.2, NM_001351203.2); c.888T>G, p.Asn296Lys (NM_001321149.2, NM_001351202.2); short protein forms N296K, N306K.
Identifiers: ClinVar variation 3367178 (VCV003367178.1).